The following is an entry in ClinVar:

NC_000019.9:g.(?_8645777)_(8662221_?)dup

Gene: ADAMTS10 (ADAM metallopeptidase with thrombospondin type 1 motif 10; minus strand). Cytogenetic location: 19p13.2.
Variant type: Duplication.
Identifiers: ClinVar variation 2426957 (VCV002426957.4).

ClinVar aggregate classification (germline): Uncertain significance (1 of 4 stars; one submission).

Submission:

Labcorp Genetics (formerly Invitae), Labcorp
Classification: Uncertain significance. Last evaluated: 2022-10-07. Review status: criteria provided, single submitter. Criteria: Invitae Variant Classification Sherloc (09022015). Collection method: clinical testing. Allele origin: germline.
Comment: This variant results in a copy number gain of the genomic region encompassing exon(s) 7-26 of the ADAMTS10 gene. This region includes the termination codon of the gene. This copy number gain extends beyond the assayed region for this gene and therefore may encompass additional genes. As the precise location of this event is unknown, it may be in tandem or it may be located elsewhere in the genome. This variant has not been reported in the literature in individuals affected with ADAMTS10-related conditions. Experimental studies and prediction algorithms are not available or were not evaluated, and the functional significance of this variant is currently unknown. In summary, the available evidence is currently insufficient to determine the role of this variant in disease. Therefore, it has been classified as a Variant of Uncertain Significance.